The following is an entry in ClinVar:

NM_000540.3(RYR1):c.7332A>T (p.Gln2444His)

Gene: RYR1 (ryanodine receptor 1; plus strand). Cytogenetic location: 19q13.2.
Variant type: single nucleotide variant.
Coding change: c.7332A>T on transcript NM_000540.3 (MANE Select); coding-DNA position 7332, A replaced by T.
Protein change: p.Gln2444His; replaces glutamine 2444 with histidine.
Molecular consequence: missense variant.
Genome position (GRCh38, 1-based): chr19:38,500,614, A>T. VCF-style: chr19-38500614-A-T. GRCh37 (hg19) VCF-style: chr19-38991254-A-T.
Other names: c.7332A>T, p.Gln2444His (NM_001042723.2); short protein forms Q2444H.
Identifiers: ClinVar variation 3069808 (VCV003069808.1), dbSNP rs755434709, ClinGen allele CA405669836.

ClinVar aggregate classification (germline): Uncertain significance (1 of 4 stars; one submission).

Conditions:
Malignant hyperthermia, susceptibility to, 1 (MHS1). Also called: RYR1-Related Malignant Hyperthermia Susceptibility; Anesthesia related hyperthermia; Malignant hyperpyrexia; Fulminating hyperpyrexia; Pharmacogenic myopathy; Malignant hyperthermia suceptibility 1. Identifiers: Orphanet 423, MedGen C2930980, MONDO:0007783, OMIM 145600.

Submission:

All of Us Research Program, National Institutes of Health
Classification: Uncertain significance for Malignant hyperthermia, susceptibility to, 1. Last evaluated: 2023-03-09. Review status: criteria provided, single submitter. Criteria: ACMG Guidelines, 2015. Collection method: clinical testing. Allele origin: germline. Inheritance: Autosomal dominant inheritance. Observed: 1 variant allele, 1 heterozygote.
Comment: This missense variant replaces glutamine with histidine at codon 2444 of the RYR1 protein. Computational prediction is inconclusive regarding the impact of this variant on protein structure and function (internally defined REVEL score threshold 0.5 < inconclusive < 0.7, PMID: 27666373). To our knowledge, functional studies have not been reported for this variant. This variant has not been reported in individuals affected with RYR1-related disorders in the literature. This variant has not been identified in the general population by the Genome Aggregation Database (gnomAD). The available evidence is insufficient to determine the role of this variant in disease conclusively. Therefore, this variant is classified as a Variant of Uncertain Significance.

This study involves interpretation of variants in research participants for the purpose of population health screening. Participant phenotype was not available at the time of variant classification. Additional details can be found in publication PMID: 35346344, PMCID: PMC8962531